The following is an entry in ClinVar:

ClinVar aggregate classification (germline): Likely pathogenic (1 of 4 stars; one submission).

Conditions:
Charcot-Marie-Tooth disease type 4C (CMT4C). Also called: CHARCOT-MARIE-TOOTH DISEASE, DEMYELINATING, AUTOSOMAL RECESSIVE, TYPE 4C; SH3TC2-Related Hereditary Motor and Sensory Neuropathy; Charcot-Marie-Tooth Neuropathy Type 4C (CMT4C); CMT 4C; CHARCOT-MARIE-TOOTH DISEASE, DEMYELINATING, TYPE 4C. Identifiers: Orphanet 99949, MedGen C1866636, MONDO:0011113, OMIM 601596.

Submission:

Neuberg Centre For Genomic Medicine, NCGM
Classification: Likely pathogenic for Charcot-Marie-Tooth disease type 4C. Review status: criteria provided, single submitter. Criteria: ACMG Guidelines, 2015. Collection method: clinical testing. Allele origin: germline. Inheritance: Autosomal recessive inheritance. Affected: yes.
Comment: The splice donor c.731+1G>A variant in SH3TC2 gene has not been reported previously as a pathogenic variant nor as a benign variant, to our knowledge. The variant is novel (not in any individual) gnomAD and 1000 Genomes. The nucleotide change in SH3TC2 is predicted as conserved by GERP++ and PhyloP across 100 vertebrates. Loss of function variants have been previously reported to be disease causing. For these reasons, this variant has been classified as Likely Pathogenic.

NM_024577.4(SH3TC2):c.731+1G>A

Gene: SH3TC2 (SH3 domain and tetratricopeptide repeats 2; minus strand). Cytogenetic location: 5q32.
Variant type: single nucleotide variant.
Coding change: c.731+1G>A on transcript NM_024577.4 (MANE Select); the canonical splice donor site of the intron after coding-DNA position 731, G replaced by A.
Molecular consequence: splice donor variant.
Genome position (GRCh38, 1-based): chr5:149,041,415, C>T on the plus strand (G>A on the coding strand, the complement: SH3TC2 is on the minus strand). VCF-style: chr5-149041415-C-T. GRCh37 (hg19) VCF-style: chr5-148420978-C-T.
Identifiers: ClinVar variation 2585442 (VCV002585442.1), dbSNP rs2531791358, ClinGen allele CA361674216.